The following is an entry in ClinVar:

NM_198578.4(LRRK2):c.4605A>T (p.Leu1535Phe)

Gene: LRRK2 (leucine rich repeat kinase 2; plus strand). Cytogenetic location: 12q12.
Variant type: single nucleotide variant.
Coding change: c.4605A>T on transcript NM_198578.4 (MANE Select); coding-DNA position 4605, A replaced by T.
Protein change: p.Leu1535Phe; replaces leucine 1535 with phenylalanine.
Molecular consequence: missense variant.
Genome position (GRCh38, 1-based): chr12:40,314,040, A>T. VCF-style: chr12-40314040-A-T. GRCh37 (hg19) VCF-style: chr12-40707842-A-T.
Other names: short protein forms L1535F.
Identifiers: ClinVar variation 1741844 (VCV001741844.2), dbSNP rs1175811248, ClinGen allele CA384418882.
Genomic context (GRCh38, chr12:40,314,040, plus strand): 5'-TCAGCTTGTTGTTGGACAGCTGATTCCAGACTGCTATGTAGAACTTGAAAAAATCATTTT[A>T]TCGGAGCGTAAAAATGTGCCAATTGAATTTCCCGTAATTGACCGGAAACGATTATTACAA-3'
Protein context (NP_940980.4, residues 1525-1545): DCYVELEKII[Leu1535Phe]SERKNVPIEF

ClinVar aggregate classification (germline): Uncertain significance (1 of 4 stars; one submission).

Conditions:
Inborn genetic diseases. Identifiers: MedGen C0950123, MeSH D030342.

Allele frequency attached by ClinVar (database versions not stated): TOPMed below 0.00001; gnomAD 0.00001.
gnomAD v4.1: 7 of 1,612,460 alleles (0.00043%); highest among the groups gnomAD compares: Admixed American, 0.0017%; no homozygotes.

Submission:

Ambry Genetics
Classification: Uncertain significance for Inborn genetic diseases. Last evaluated: 2024-02-11. Review status: criteria provided, single submitter. Criteria: Ambry Variant Classification Scheme 2023. Collection method: clinical testing. Allele origin: germline.
Comment: The p.L1535F variant (also known as c.4605A>T), located in coding exon 32 of the LRRK2 gene, results from an A to T substitution at nucleotide position 4605. The leucine at codon 1535 is replaced by phenylalanine, an amino acid with highly similar properties. This amino acid position is conserved. In addition, the in silico prediction for this alteration is inconclusive. Since supporting evidence is limited at this time, the clinical significance of this alteration remains unclear.